The following is an entry in ClinVar:

NM_000535.7(PMS2):c.988+8C>T

Gene: PMS2 (PMS1 homolog 2, mismatch repair system component; minus strand). Cytogenetic location: 7p22.1.
Variant type: single nucleotide variant.
Coding change: c.988+8C>T on transcript NM_000535.7 (MANE Select); 8 bases into the intron after coding-DNA position 988, C replaced by T.
Molecular consequence: intron variant.
Genome position (GRCh38, 1-based): chr7:5,991,965, G>A on the plus strand (C>T on the coding strand, the complement: PMS2 is on the minus strand). VCF-style: chr7-5991965-G-A. GRCh37 (hg19) VCF-style: chr7-6031596-G-A.
Other names: c.670+8C>T (NM_001322008.2, NM_001322007.2); c.583+8C>T (NM_001322010.2, NM_001322004.2, NM_001322003.2 and 2 more transcripts); c.415+8C>T (NM_001322013.2); c.55+8C>T (NM_001322012.2, NM_001322011.2); c.679+8C>T (NM_001322015.2); c.988+8C>T (NM_001322006.2, NM_001322014.2, NM_000535.6).
Identifiers: ClinVar variation 2154173 (VCV002154173.6), dbSNP rs2128754860, ClinGen allele CA2580076770.
Genomic context (GRCh38, chr7:5,991,965, plus strand): 5'-CTGTAGAATTTCATTTTATTCTTTGAGGCATTAGTCACTAGTTGTACTGAAATGCCAATG[G>A]AACTTACCTGAATCAACAGAAATGTTAAGAACAACAAATGGATACTGGTGTCGATTATAC-3'

ClinVar aggregate classification (germline): Likely benign. Review status: criteria provided, single submitter (1 of 4 stars). 2 submissions from 2 submitters: Likely benign (1). 1 of the submissions does not count toward it. Last evaluated 2022-08-27.

Conditions:
Hereditary nonpolyposis colorectal neoplasms. Identifiers: MedGen C0009405, MeSH D003123.
PMS2-related disorder. Also called: PMS2-related condition.

Submissions (2):

Labcorp Genetics (formerly Invitae), Labcorp
Classification: Likely benign for Hereditary nonpolyposis colorectal neoplasms. Last evaluated: 2022-08-27. Review status: criteria provided, single submitter. Criteria: Invitae Variant Classification Sherloc (09022015). Collection method: clinical testing. Allele origin: germline.

PreventionGenetics, part of Exact Sciences
Classification: Likely benign for PMS2-related condition. Last evaluated: 2021-12-30. Review status: no assertion criteria provided. Collection method: clinical testing. Allele origin: germline. Not counted in ClinVar's aggregate classification.
Comment: This variant is classified as likely benign based on ACMG/AMP sequence variant interpretation guidelines (Richards et al. 2015 PMID: 25741868, with internal and published modifications).